The following is an entry in ClinVar:

NM_144991.3(TSPEAR):c.1239T>A (p.Phe413Leu)

Gene: TSPEAR (thrombospondin type laminin G domain and EAR repeats; minus strand). Cytogenetic location: 21q22.3.
Variant type: single nucleotide variant.
Coding change: c.1239T>A on transcript NM_144991.3 (MANE Select); coding-DNA position 1239, T replaced by A.
Protein change: p.Phe413Leu; replaces phenylalanine 413 with leucine.
Molecular consequence: missense variant.
Genome position (GRCh38, 1-based): chr21:44,525,750, A>T on the plus strand (T>A on the coding strand, the complement: TSPEAR is on the minus strand). VCF-style: chr21-44525750-A-T. GRCh37 (hg19) VCF-style: chr21-45945633-A-T.
Other names: c.1035T>A, p.Phe345Leu (NM_001272037.2); short protein forms F345L, F413L.
Identifiers: ClinVar variation 3898802 (VCV003898802.2).

ClinVar aggregate classification (germline): Uncertain significance. Review status: criteria provided, multiple submitters, no conflicts (2 of 4 stars). 2 submissions from 2 submitters: Uncertain significance (2). Last evaluated 2025-10-22.

Conditions:
Inborn genetic diseases. Identifiers: MedGen C0950123, MeSH D030342.

gnomAD v4.1: 2 of 1,614,144 alleles (0.00012%); highest among the groups gnomAD compares: Non-Finnish European, 0.00017%; no homozygotes.

Submissions (2):

Ambry Genetics
Classification: Uncertain significance for Inborn genetic diseases. Last evaluated: 2025-10-22. Review status: criteria provided, single submitter. Criteria: Ambry Variant Classification Scheme 2023. Collection method: clinical testing. Allele origin: germline.

GeneDx
Classification: Uncertain significance. Last evaluated: 2024-11-12. Review status: criteria provided, single submitter. Criteria: GeneDx Variant Classification Process June 2021. Collection method: clinical testing. Allele origin: germline. Affected: yes.
Comment: Not observed at significant frequency in large population cohorts (gnomAD); In silico analysis supports that this missense variant has a deleterious effect on protein structure/function; Has not been previously published as pathogenic or benign to our knowledge